The following is an entry in ClinVar:

NM_005475.3(SH2B3):c.1561C>T (p.Pro521Ser)

Gene: SH2B3 (SH2B adaptor protein 3; plus strand). Cytogenetic location: 12q24.12.
Variant type: single nucleotide variant.
Coding change: c.1561C>T on transcript NM_005475.3 (MANE Select); coding-DNA position 1561, C replaced by T.
Protein change: p.Pro521Ser; replaces proline 521 with serine.
Molecular consequence: missense variant.
Genome position (GRCh38, 1-based): chr12:111,448,135, C>T. VCF-style: chr12-111448135-C-T. GRCh37 (hg19) VCF-style: chr12-111885939-C-T.
Other names: c.955C>T, p.Pro319Ser (NM_001291424.1); short protein forms P521S, P319S.
Identifiers: ClinVar variation 3795052 (VCV003795052.1).

ClinVar aggregate classification (germline): Uncertain significance (1 of 4 stars; one submission).

Conditions:
Inborn genetic diseases. Identifiers: MedGen C0950123, MeSH D030342.

gnomAD v4.1: 15 of 1,614,116 alleles (0.00093%); highest among the groups gnomAD compares: Non-Finnish European, 0.00068%; no homozygotes.

Submission:

Ambry Genetics
Classification: Uncertain significance for Inborn genetic diseases. Last evaluated: 2024-12-29. Review status: criteria provided, single submitter. Criteria: Ambry Variant Classification Scheme 2023. Collection method: clinical testing. Allele origin: germline.
Comment: The p.P521S variant (also known as c.1561C>T), located in coding exon 7 of the SH2B3 gene, results from a C to T substitution at nucleotide position 1561. The proline at codon 521 is replaced by serine, an amino acid with similar properties. This amino acid position is conserved. In addition, this alteration is predicted to be tolerated by in silico analysis. Based on the available evidence, the clinical significance of this variant remains unclear.